The following is an entry in ClinVar:

NM_004746.4(DLGAP1):c.1488G>A (p.Arg496=)

Gene: DLGAP1 (DLG associated protein 1; minus strand). Cytogenetic location: 18p11.31.
Variant type: single nucleotide variant.
Coding change: c.1488G>A on transcript NM_004746.4 (MANE Select); coding-DNA position 1488, G replaced by A.
Protein change: p.Arg496=; no amino-acid change (arginine 496 retained).
Molecular consequence: synonymous variant.
Genome position (GRCh38, 1-based): chr18:3,729,238, C>T on the plus strand (G>A on the coding strand, the complement: DLGAP1 is on the minus strand). VCF-style: chr18-3729238-C-T. GRCh37 (hg19) VCF-style: chr18-3729238-C-T.
Other names: c.582G>A, p.Arg194= (NM_001003809.3, NM_001242765.2, NM_001242766.2 and 1 more transcripts); c.1488G>A, p.Arg496= (NM_001242761.2, NM_001398525.1, NM_001398526.1 and 2 more transcripts); c.624G>A, p.Arg208= (NM_001242762.2, NM_001242763.2, NM_001398533.1 and 2 more transcripts); c.606G>A, p.Arg202= (NM_001242764.2, NM_001308390.2, NM_001398541.1 and 2 more transcripts); c.738G>A, p.Arg246= (NM_001398530.1, NM_001398535.1); c.720G>A, p.Arg240= (NM_001398531.1, NM_001398537.1); c.612G>A, p.Arg204= (NM_001398532.1, NM_001398534.1, NM_001398540.1 and 1 more transcripts); c.696G>A, p.Arg232= (NM_001398536.1).
Identifiers: ClinVar variation 3052453 (VCV003052453.2), dbSNP rs201567254, ClinGen allele CA8876445.

ClinVar aggregate classification (germline): Likely benign (0 of 4 stars; one submission).

Conditions:
DLGAP1-related disorder. Also called: DLGAP1-related condition.

Allele frequency attached by ClinVar (database versions not stated): gnomAD exomes 0.00012; gnomAD 0.00022; TOPMed 0.00023; ExAC 0.00040; 1000 Genomes Project 30x 0.00109; 1000 Genomes Project 0.00120.
gnomAD v4.1: 210 of 1,613,942 alleles (0.013%); highest among the groups gnomAD compares: East Asian, 0.44%; no homozygotes.

Submission:

PreventionGenetics, part of Exact Sciences
Classification: Likely benign for DLGAP1-related condition. Last evaluated: 2019-08-26. Review status: no assertion criteria provided. Collection method: clinical testing. Allele origin: germline.
Comment: This variant is classified as likely benign based on ACMG/AMP sequence variant interpretation guidelines (Richards et al. 2015 PMID: 25741868, with internal and published modifications).